The following is an entry in ClinVar:

NM_198578.4(LRRK2):c.2284C>G (p.Leu762Val)

Gene: LRRK2 (leucine rich repeat kinase 2; plus strand). Cytogenetic location: 12q12.
Variant type: single nucleotide variant.
Coding change: c.2284C>G on transcript NM_198578.4 (MANE Select); coding-DNA position 2284, C replaced by G.
Protein change: p.Leu762Val; replaces leucine 762 with valine.
Molecular consequence: missense variant.
Genome position (GRCh38, 1-based): chr12:40,283,917, C>G. VCF-style: chr12-40283917-C-G. GRCh37 (hg19) VCF-style: chr12-40677719-C-G.
Other names: c.2284C>G (NM_198578.3); short protein forms L762V.
Identifiers: ClinVar variation 2116811 (VCV002116811.5), dbSNP rs764684819, ClinGen allele CA384406393.

ClinVar aggregate classification (germline): Uncertain significance. Review status: criteria provided, multiple submitters, no conflicts (2 of 4 stars). 2 submissions from 2 submitters: Uncertain significance (2). Last evaluated 2023-10-19.

Conditions:
Inborn genetic diseases. Identifiers: MedGen C0950123, MeSH D030342.
Autosomal dominant Parkinson disease 8. Also called: LRRK2-Related Parkinson Disease; Parkinson disease 8; Parkinson disease 8, susceptibility to. Identifiers: Orphanet 411602, MedGen C1846862, MONDO:0011764, OMIM 607060.

Submissions (2):

Ambry Genetics
Classification: Uncertain significance for Inborn genetic diseases. Last evaluated: 2023-10-19. Review status: criteria provided, single submitter. Criteria: Ambry Variant Classification Scheme 2023. Collection method: clinical testing. Allele origin: germline.
Comment: The p.L762V variant (also known as c.2284C>G), located in coding exon 19 of the LRRK2 gene, results from a C to G substitution at nucleotide position 2284. The leucine at codon 762 is replaced by valine, an amino acid with highly similar properties. This amino acid position is conserved. In addition, this alteration is predicted to be tolerated by in silico analysis. Since supporting evidence is limited at this time, the clinical significance of this alteration remains unclear.

Labcorp Genetics (formerly Invitae), Labcorp
Classification: Uncertain significance for Autosomal dominant Parkinson disease 8. Last evaluated: 2022-03-25. Review status: criteria provided, single submitter. Criteria: Invitae Variant Classification Sherloc (09022015). Collection method: clinical testing. Allele origin: germline.
Comment: In summary, the available evidence is currently insufficient to determine the role of this variant in disease. Therefore, it has been classified as a Variant of Uncertain Significance. Algorithms developed to predict the effect of missense changes on protein structure and function (SIFT, PolyPhen-2, Align-GVGD) all suggest that this variant is likely to be tolerated. This variant has not been reported in the literature in individuals affected with LRRK2-related conditions. This variant is not present in population databases (gnomAD no frequency). This sequence change replaces leucine, which is neutral and non-polar, with valine, which is neutral and non-polar, at codon 762 of the LRRK2 protein (p.Leu762Val).